The following is an entry in ClinVar:

ClinVar aggregate classification (germline): Uncertain significance. Review status: criteria provided, multiple submitters, no conflicts (2 of 4 stars). 2 submissions from 2 submitters: Uncertain significance (2). Last evaluated 2024-12-09.

Conditions:
Ullrich congenital muscular dystrophy 2 (UCMD2). Identifiers: Orphanet 75840, MedGen C4225314, MONDO:0014654, OMIM 616470.
Bethlem myopathy 2 (BTHLM2). Identifiers: Orphanet 536516, Orphanet 610, MedGen C4225313, MONDO:0034022, OMIM 616471.
Inborn genetic diseases. Identifiers: MedGen C0950123, MeSH D030342.

Allele frequency attached by ClinVar (database versions not stated): gnomAD exomes below 0.00001; TOPMed below 0.00001.
gnomAD v4.1: 4 of 1,613,630 alleles (0.00025%); highest among the groups gnomAD compares: Non-Finnish European, 0.00025%; no homozygotes.

Submissions (2):

Ambry Genetics
Classification: Uncertain significance for Inborn genetic diseases. Last evaluated: 2024-12-09. Review status: criteria provided, single submitter. Criteria: Ambry Variant Classification Scheme 2023. Collection method: clinical testing. Allele origin: germline.

Labcorp Genetics (formerly Invitae), Labcorp
Classification: Uncertain significance for Bethlem myopathy 2; Ullrich congenital muscular dystrophy 2. Last evaluated: 2024-11-16. Review status: criteria provided, single submitter. Criteria: Invitae Variant Classification Sherloc (09022015). Collection method: clinical testing. Allele origin: germline.
Comment: This sequence change replaces arginine, which is basic and polar, with glycine, which is neutral and non-polar, at codon 1568 of the COL12A1 protein (p.Arg1568Gly). This variant is not present in population databases (gnomAD no frequency). This variant has not been reported in the literature in individuals affected with COL12A1-related conditions. ClinVar contains an entry for this variant (Variation ID: 1052484). Invitae Evidence Modeling of protein sequence and biophysical properties (such as structural, functional, and spatial information, amino acid conservation, physicochemical variation, residue mobility, and thermodynamic stability) indicates that this missense variant is not expected to disrupt COL12A1 protein function with a negative predictive value of 80%. In summary, the available evidence is currently insufficient to determine the role of this variant in disease. Therefore, it has been classified as a Variant of Uncertain Significance.

NM_004370.6(COL12A1):c.4702A>G (p.Arg1568Gly)

Gene: COL12A1 (collagen type XII alpha 1 chain; minus strand). Cytogenetic location: 6q13.
Variant type: single nucleotide variant.
Coding change: c.4702A>G on transcript NM_004370.6 (MANE Select); coding-DNA position 4702, A replaced by G.
Protein change: p.Arg1568Gly; replaces arginine 1568 with glycine.
Molecular consequence: missense variant.
Genome position (GRCh38, 1-based): chr6:75,143,377, T>C on the plus strand (A>G on the coding strand, the complement: COL12A1 is on the minus strand). VCF-style: chr6-75143377-T-C. GRCh37 (hg19) VCF-style: chr6-75853093-T-C.
Other names: c.1210A>G, p.Arg404Gly (NM_080645.3); c.4702A>G (NM_004370.5); short protein forms R1568G, R404G.
Identifiers: ClinVar variation 1052484 (VCV001052484.10), dbSNP rs1767009455, ClinGen allele CA364742473.